The following is an entry in ClinVar:

ClinVar aggregate classification (germline): Uncertain significance (1 of 4 stars; one submission).

Conditions:
Intellectual developmental disorder, autosomal dominant 1. Also called: Intellectual disability, autosomal dominant 1; MBD5 Haploinsufficiency. Identifiers: Orphanet 228402, MedGen C1969562, MONDO:0007974, OMIM 156200.

Allele frequency attached by ClinVar (database versions not stated): gnomAD exomes below 0.00001; TOPMed 0.00001.
gnomAD v4.1: 2 of 1,613,944 alleles (0.00012%); highest among the groups gnomAD compares: Non-Finnish European, 0.00017%; no homozygotes.

Submission:

Labcorp Genetics (formerly Invitae), Labcorp
Classification: Uncertain significance for Intellectual developmental disorder, autosomal dominant 1. Last evaluated: 2023-10-03. Review status: criteria provided, single submitter. Criteria: Invitae Variant Classification Sherloc (09022015). Collection method: clinical testing. Allele origin: germline.
Comment: This sequence change replaces asparagine, which is neutral and polar, with serine, which is neutral and polar, at codon 296 of the MBD5 protein (p.Asn296Ser). This variant is not present in population databases (gnomAD no frequency). This variant has not been reported in the literature in individuals affected with MBD5-related conditions. ClinVar contains an entry for this variant (Variation ID: 644513). Advanced modeling of protein sequence and biophysical properties (such as structural, functional, and spatial information, amino acid conservation, physicochemical variation, residue mobility, and thermodynamic stability) performed at Invitae indicates that this missense variant is not expected to disrupt MBD5 protein function. In summary, the available evidence is currently insufficient to determine the role of this variant in disease. Therefore, it has been classified as a Variant of Uncertain Significance.

NM_001378120.1(MBD5):c.887A>G (p.Asn296Ser)

Gene: MBD5 (methyl-CpG binding domain protein 5; plus strand). Cytogenetic location: 2q23.1.
Variant type: single nucleotide variant.
Coding change: c.887A>G on transcript NM_001378120.1 (MANE Select); coding-DNA position 887, A replaced by G.
Protein change: p.Asn296Ser; replaces asparagine 296 with serine.
Molecular consequence: missense variant.
Genome position (GRCh38, 1-based): chr2:148,468,830, A>G. VCF-style: chr2-148468830-A-G. GRCh37 (hg19) VCF-style: chr2-149226399-A-G.
Other names: c.887A>G, p.Asn296Ser (NM_018328.5); short protein forms N296S.
Identifiers: ClinVar variation 644513 (VCV000644513.7), dbSNP rs990703439, ClinGen allele CA57577578.